The following is an entry in ClinVar:

ClinVar aggregate classification (germline): Uncertain significance (1 of 4 stars; one submission).

Submission:

Labcorp Genetics (formerly Invitae), Labcorp
Classification: Uncertain significance. Last evaluated: 2021-03-26. Review status: criteria provided, single submitter. Criteria: Invitae Variant Classification Sherloc (09022015). Collection method: clinical testing. Allele origin: germline.
Comment: This variant is a gross deletion of the genomic region encompassing exon(s) 6-38 of the COL9A1 gene. The 5' boundary is likely confined to intron 5. The 3' end of this event is unknown as it extends through the termination codon beyond the assayed region for this gene and may encompass additional genes. While this deletion is not anticipated to lead to nonsense mediated decay, it is expected to alter mRNA translation or result in a truncated protein product. In summary, the available evidence is currently insufficient to determine the role of this variant in disease. Therefore, it has been classified as a Variant of Uncertain Significance. Experimental studies and prediction algorithms are not available or were not evaluated, and the functional significance of this variant is currently unknown. This variant has not been reported in the literature in individuals with COL9A1-related conditions.

NC_000006.11:g.(?_70926600)_(70993543_?)del

Gene: COL9A1 (collagen type IX alpha 1 chain; minus strand). Cytogenetic location: 6q13.
Variant type: Deletion.
Identifiers: ClinVar variation 1477195 (VCV001477195.6).